The following is an entry in ClinVar:

NM_000038.6(APC):c.7016_7076del (p.Pro2339fs)

Gene: APC (APC regulator of Wnt signaling pathway; plus strand). Cytogenetic location: 5q22.2.
Variant type: Deletion.
Coding change: c.7016_7076del on transcript NM_000038.6 (MANE Select); coding-DNA positions 7016 to 7076, 61 bases deleted.
Protein change: p.Pro2339fs; shifts the reading frame from proline 2339.
Molecular consequence: frameshift variant.
Genome position (GRCh38, 1-based): chr5:112,842,610-112,842,670, 61 bases deleted. GRCh37 (hg19): chr5:112,178,307-112,178,367.
Other names: c.7016_7076del61 (NM_000038.5); c.7016_7076del, p.Pro2339fs (NM_001127510.3, NM_001354895.2); c.6962_7022del, p.Pro2321fs (NM_001127511.3); c.7070_7130del, p.Pro2357fs (NM_001354896.2); c.7046_7106del, p.Pro2349fs (NM_001354897.2); c.6941_7001del, p.Pro2314fs (NM_001354898.2); c.6932_6992del, p.Pro2311fs (NM_001354899.2); c.6893_6953del, p.Pro2298fs (NM_001354900.2); and 6 more; short protein forms P2056fs, P2179fs, P2238fs, P2311fs, P2357fs, P2349fs, P2213fs, P2280fs.
Identifiers: ClinVar variation 949218 (VCV000949218.15), dbSNP rs1766353088, ClinGen allele CA046621.

ClinVar aggregate classification (germline): Pathogenic/Likely pathogenic. Review status: criteria provided, multiple submitters, no conflicts (2 of 4 stars). 5 submissions from 5 submitters: Pathogenic (4); Likely pathogenic (1). Last evaluated 2025-09-30.

Conditions:
Hereditary cancer-predisposing syndrome. Also called: Hereditary neoplastic syndrome; Neoplastic Syndromes, Hereditary; Tumor predisposition; Hereditary Cancer Syndrome. Identifiers: Orphanet 140162, MedGen C0027672, MeSH D009386, MONDO:0015356.
Familial adenomatous polyposis 1 (FAP1). Also called: FAMILIAL ADENOMATOUS POLYPOSIS 1, ATTENUATED; POLYPOSIS, ADENOMATOUS INTESTINAL. Identifiers: MedGen C2713442, MONDO:0021056, OMIM 175100. Disease mechanism: loss of function.
Classic or attenuated familial adenomatous polyposis. Identifiers: MedGen CN372698, MONDO:0021057.

Submissions (5):

Color Diagnostics, LLC DBA Color Health
Classification: Pathogenic for Hereditary cancer-predisposing syndrome. Last evaluated: 2025-09-30. Review status: criteria provided, single submitter. Criteria: ACMG Guidelines, 2015. Collection method: clinical testing. Allele origin: germline.
Comment: This variant deletes 61 nucleotides in exon 16 of the APC gene, creating a frameshift and premature translation stop signal. This variant is expected to result in an absent or non-functional protein product. To our knowledge, this variant has not been reported in individuals affected with APC-related disorders in the literature. This variant has not been identified in the general population by the Genome Aggregation Database (gnomAD). Loss of APC function is a known mechanism of disease. Based on the available evidence, this variant is classified as Pathogenic.

All of Us Research Program, National Institutes of Health
Classification: Likely pathogenic for Classic or attenuated familial adenomatous polyposis. Last evaluated: 2024-01-18. Review status: criteria provided, single submitter. Criteria: ACMG Guidelines, 2015. Collection method: clinical testing. Allele origin: germline. Inheritance: Autosomal dominant inheritance. Observed: 1 variant allele, 1 heterozygote.
Comment: This variant creates a premature termination codon in the last exon. The transcribed mRNA is predicted to escape nonsense mediated decay and result in protein truncation. This prediction has not been confirmed by functional studies. To date, this variant has not been reported in association with human disease in the medical literature. This variant is absent from or rare in large population databases, including the Genome Aggregation Database.

This study involves interpretation of variants in research participants for the purpose of population health screening. Participant phenotype was not available at the time of variant classification. Additional details can be found in publication PMID: 35346344, PMCID: PMC8962531

Myriad Genetics, Inc.
Classification: Pathogenic for Familial adenomatous polyposis 1. Last evaluated: 2023-05-16. Review status: criteria provided, single submitter. Criteria: Myriad Autosomal Dominant, Autosomal Recessive and X-Linked Classification Criteria (2023). Collection method: clinical testing. Allele origin: unknown.
Comment: This variant is considered pathogenic. This variant creates a frameshift predicted to result in premature protein truncation.

Ambry Genetics
Classification: Pathogenic for Hereditary cancer-predisposing syndrome. Last evaluated: 2022-07-25. Review status: criteria provided, single submitter. Criteria: Ambry Variant Classification Scheme 2023. Collection method: clinical testing. Allele origin: germline.
Comment: The c.7016_7076del61 pathogenic mutation, located in coding exon 15 of the APC gene, results from a deletion of 61 nucleotides at nucleotide positions 7016 to 7076, causing a translational frameshift with a predicted alternate stop codon (p.P2339Qfs*15). This alteration occurs at the 3' terminus of theAPC gene, is not expected to trigger nonsense-mediated mRNA decay, and only impacts the last 505 amino acids of the protein. However, premature stop codons are typically deleterious in nature and the impacted region is critical for protein function (Ambry internal data). This variant is considered to be rare based on population cohorts in the Genome Aggregation Database (gnomAD). Based on the supporting evidence, this alteration is interpreted as a disease-causing mutation.

Labcorp Genetics (formerly Invitae), Labcorp
Classification: Pathogenic for Familial adenomatous polyposis 1. Last evaluated: 2022-03-08. Review status: criteria provided, single submitter. Criteria: Invitae Variant Classification Sherloc (09022015). Collection method: clinical testing. Allele origin: germline.
Comment: For these reasons, this variant has been classified as Pathogenic. A different truncation (p.Tyr2645Lysfs*14) that lies downstream of this variant has been determined to be pathogenic (PMID: 9824584, 1316610, 27081525, 8381579, 22135120, Invitae). This suggests that deletion of this region of the APC protein is causative of disease. This variant is expected to disrupt the EB1 and HDLG binding sites, which mediate interactions with the cytoskeleton (PMID: 15311282, 17293347). While functional studies have not been performed to directly test the effect on APC protein function, this suggests that disruption of the C-terminal portion of the protein is functionally important. ClinVar contains an entry for this variant (Variation ID: 949218). This variant has not been reported in the literature in individuals affected with APC-related conditions. The frequency data for this variant in the population databases is considered unreliable, as metrics indicate poor data quality at this position in the gnomAD database. This sequence change creates a premature translational stop signal (p.Pro2339Glnfs*15) in the APC gene. While this is not anticipated to result in nonsense mediated decay, it is expected to disrupt the last 505 amino acid(s) of the APC protein.

Literature cited by the submitters: PubMed 9824584 (cited by Labcorp Genetics (formerly Invitae), Labcorp); PubMed 1316610 (cited by Labcorp Genetics (formerly Invitae), Labcorp); PubMed 27081525 (cited by Labcorp Genetics (formerly Invitae), Labcorp); PubMed 8381579 (cited by Labcorp Genetics (formerly Invitae), Labcorp); PubMed 22135120 (cited by Labcorp Genetics (formerly Invitae), Labcorp); PubMed 15311282 (cited by Labcorp Genetics (formerly Invitae), Labcorp); PubMed 17293347 (cited by Labcorp Genetics (formerly Invitae), Labcorp).